The following is an entry in ClinVar:

NM_152419.3(HGSNAT):c.17G>A (p.Arg6Lys)

Genes: HGSNAT (heparan-alpha-glucosaminide N-acetyltransferase; plus strand), LOC130000316 (ATAC-STARR-seq lymphoblastoid silent region 19164; plus strand). Cytogenetic location: 8p11.21.
Variant type: single nucleotide variant.
Coding change: c.17G>A on transcript NM_152419.3 (MANE Select); coding-DNA position 17, G replaced by A.
Protein change: p.Arg6Lys; replaces arginine 6 with lysine.
Molecular consequence: missense variant. On other transcripts: 5 prime UTR variant (1).
Genome position (GRCh38, 1-based): chr8:43,140,513, G>A. VCF-style: chr8-43140513-G-A. GRCh37 (hg19) VCF-style: chr8-42995656-G-A.
Other names: c.17G>A, p.Arg6Lys (NM_001363227.2, NM_001363228.2); c.-817G>A (NM_001363229.2); short protein forms R6K.
Identifiers: ClinVar variation 363136 (VCV000363136.21), dbSNP rs867446205, ClinGen allele CA10631204.
Genomic context (GRCh38, chr8:43,140,513, plus strand): 5'-CGGGGCGCAGCGGGCAGGCAAGGGCGGCCGAGCGGGCGGCGGGCATGAGCGGGGCGGGCA[G>A]GGCGCTGGCCGCGCTGCTGCTGGCCGCGTCCGTGCTGAGCGCCGCGCTGCTGGCCCCCGG-3'
Protein context (NP_689632.2, residues 1-16): MSGAG[Arg6Lys]ALAALLLAAS

ClinVar aggregate classification (germline): Conflicting classifications of pathogenicity. Review status: criteria provided, conflicting classifications (1 of 4 stars). 9 submissions from 9 submitters: Likely pathogenic (1); Uncertain significance (3); Likely benign (4). 1 of the submissions does not count toward it. Last evaluated 2026-01-24.

Conditions:
Mucopolysaccharidosis, MPS-III-C (MPS3C). Also called: MUCOPOLYSACCHARIDOSIS, TYPE IIIC; MPS III C; mucopolysaccharidosis type 3C; Mucopolysaccharidosis type IIIC (Sanfilippo C); MPS IIIC (Sanfilippo Syndrome Type C); SANFILIPPO SYNDROME C. Identifiers: Orphanet 581, Orphanet 79271, MedGen C0086649, MONDO:0009657, OMIM 252930.
HGSNAT-related disorder. Also called: HGSNAT-related condition.
Inborn genetic diseases. Identifiers: MedGen C0950123, MeSH D030342.
Retinitis pigmentosa 73 (RP73). Identifiers: Orphanet 791, MedGen C4225287, MONDO:0014687, OMIM 616544.
Retinal dystrophy. Also called: Inherited retinal dystrophy. Identifiers: Orphanet 71862, MedGen C0854723, MeSH D058499, MONDO:0019118, HP:0000556.

Allele frequency attached by ClinVar (database versions not stated): gnomAD exomes 0.00003; TOPMed 0.00019; gnomAD 0.00035; 1000 Genomes Project 30x 0.00047.
gnomAD v4.1: 68 of 1,072,362 alleles (0.0063%); highest among the groups gnomAD compares: East Asian, 0.24%; no homozygotes.

Submissions (9):

Labcorp Genetics (formerly Invitae), Labcorp
Classification: Likely benign for Retinitis pigmentosa 73; Mucopolysaccharidosis, MPS-III-C. Last evaluated: 2026-01-24. Review status: criteria provided, single submitter. Criteria: Invitae Variant Classification Sherloc (09022015). Collection method: clinical testing. Allele origin: germline.

Women's Health and Genetics/Laboratory Corporation of America, LabCorp
Classification: Uncertain significance. Last evaluated: 2025-09-17. Review status: criteria provided, single submitter. Criteria: LabCorp Variant Classification Summary - May 2015. Collection method: clinical testing. Allele origin: germline.
Comment: Variant summary: HGSNAT c.17G>A (p.Arg6Lys) results in a conservative amino acid change in the encoded protein sequence. Algorithms developed to predict the effect of missense changes on protein structure and function all suggest that this variant is likely to be tolerated. The variant allele was found at a frequency of 6.3e-05 in 1072362 control chromosomes. This frequency is not significantly higher than estimated for disease-causing variants in HGSNAT, allowing no conclusion about variant significance. To our knowledge, no occurrence of c.17G>A in individuals affected with HGSNAT-related conditions and no experimental evidence demonstrating its impact on protein function have been reported. ClinVar contains an entry for this variant (Variation ID: 363136). Based on the evidence outlined above, the variant was classified as uncertain significance.

Blueprint Genetics
Classification: Uncertain significance. Last evaluated: 2024-11-27. Review status: criteria provided, single submitter. Criteria: ACMG Guidelines, 2015. Collection method: clinical testing. Allele origin: germline.

PreventionGenetics, part of Exact Sciences
Classification: Likely benign for HGSNAT-related condition. Last evaluated: 2024-11-12. Review status: criteria provided, single submitter. Criteria: ACMG Guidelines, 2015. Collection method: clinical testing. Allele origin: germline.
Comment: This variant is classified as likely benign based on ACMG/AMP sequence variant interpretation guidelines (Richards et al. 2015 PMID: 25741868, with internal and published modifications).

Dept Of Ophthalmology, Nagoya University
Classification: Likely pathogenic for Retinal dystrophy. Last evaluated: 2023-10-01. Review status: criteria provided, single submitter. Criteria: Submitter's publication. Collection method: research. Allele origin: germline. Affected: yes.

Ambry Genetics
Classification: Likely benign for Inborn genetic diseases. Last evaluated: 2023-02-28. Review status: criteria provided, single submitter. Criteria: Ambry Variant Classification Scheme 2023. Collection method: clinical testing. Allele origin: germline.

Illumina Laboratory Services, Illumina
Classification: Uncertain significance for Mucopolysaccharidosis, MPS-III-C. Last evaluated: 2018-01-13. Review status: criteria provided, single submitter. Criteria: ICSL Variant Classification Criteria 13 December 2019. Collection method: clinical testing. Allele origin: germline.

Juno Genomics, Hangzhou Juno Genomics, Inc
Classification: Likely benign for Mucopolysaccharidosis, MPS-III-C; Retinitis pigmentosa 73. Review status: criteria provided, single submitter. Criteria: ACMG Guidelines, 2015. Collection method: clinical testing. Allele origin: germline.
Comment: Multiple lines of computational evidence suggest no impact on gene or gene product.

Natera, Inc.
Classification: Uncertain significance for Mucopolysaccharidosis type IIIC. Last evaluated: 2020-01-24. Review status: no assertion criteria provided. Collection method: clinical testing. Allele origin: germline. Not counted in ClinVar's aggregate classification.